The following is an entry in ClinVar:

NM_001128840.3(CACNA1D):c.5689C>G (p.Pro1897Ala)

Gene: CACNA1D (calcium voltage-gated channel subunit alpha1 D; plus strand). Cytogenetic location: 3p21.1.
Variant type: single nucleotide variant.
Coding change: c.5689C>G on transcript NM_001128840.3 (MANE Select); coding-DNA position 5689, C replaced by G.
Protein change: p.Pro1897Ala; replaces proline 1897 with alanine.
Molecular consequence: missense variant.
Genome position (GRCh38, 1-based): chr3:53,805,086, C>G. VCF-style: chr3-53805086-C-G. GRCh37 (hg19) VCF-style: chr3-53839113-C-G.
Other names: c.5749C>G, p.Pro1917Ala (NM_000720.4); c.5617C>G, p.Pro1873Ala (NM_001128839.3); short protein forms P1873A, P1897A, P1917A.
Identifiers: ClinVar variation 2632176 (VCV002632176.2), dbSNP rs569507177, ClinGen allele CA2455222.
Genomic context (GRCh38, chr3:53,805,086, plus strand): 5'-GACTCTGAGAGGCCCCGAGGCTACCATCATCCCCAAGGATTCTTGGAGGACGATGACTCG[C>G]CCGTTTGCTATGATTCACGGAGATCTCCAAGGAGACGCCTACTACCTCCCACCCCAGCAT-3'
Protein context (NP_001122312.1, residues 1887-1907): PQGFLEDDDS[Pro1897Ala]VCYDSRRSPR

ClinVar aggregate classification (germline): Uncertain significance. Review status: criteria provided, multiple submitters, no conflicts (2 of 4 stars). 2 submissions from 2 submitters: Uncertain significance (2). Last evaluated 2025-12-28.

Conditions:
CACNA1D-related disorder.

Allele frequency attached by ClinVar (database versions not stated): 1000 Genomes Project 0.00020; ExAC 0.00001; 1000 Genomes Project 30x 0.00031; gnomAD 0.00001.
gnomAD v4.1: 4 of 1,614,064 alleles (0.00025%); highest among the groups gnomAD compares: Admixed American, 0.0017%; no homozygotes.

Submissions (2):

Labcorp Genetics (formerly Invitae), Labcorp
Classification: Uncertain significance. Last evaluated: 2025-12-28. Review status: criteria provided, single submitter. Criteria: Invitae Variant Classification Sherloc (09022015). Collection method: clinical testing. Allele origin: germline.
Comment: This sequence change replaces proline, which is neutral and non-polar, with alanine, which is neutral and non-polar, at codon 1917 of the CACNA1D protein (p.Pro1917Ala). This variant is present in population databases (rs569507177, gnomAD 0.003%). This variant has not been reported in the literature in individuals affected with CACNA1D-related conditions. ClinVar contains an entry for this variant (Variation ID: 2632176). An algorithm developed to predict the effect of missense changes on protein structure and function (PolyPhen-2) suggests that this variant is likely to be tolerated. In summary, the available evidence is currently insufficient to determine the role of this variant in disease. Therefore, it has been classified as a Variant of Uncertain Significance.

PreventionGenetics, part of Exact Sciences
Classification: Uncertain significance for CACNA1D-related condition. Last evaluated: 2023-06-13. Review status: criteria provided, single submitter. Criteria: ACMG Guidelines, 2015. Collection method: clinical testing. Allele origin: germline.
Comment: The CACNA1D c.5749C>G variant is predicted to result in the amino acid substitution p.Pro1917Ala. To our knowledge, this variant has not been reported in the literature. This variant is reported in 0.0029% of alleles in individuals of Latino descent in gnomAD. At this time, the clinical significance of this variant is uncertain due to the absence of conclusive functional and genetic evidence.